The following is an entry in ClinVar:

ClinVar aggregate classification (germline): Uncertain significance. Review status: criteria provided, multiple submitters, no conflicts (2 of 4 stars). 2 submissions from 2 submitters: Uncertain significance (2). Last evaluated 2025-11-10.

Conditions:
Hereditary cancer-predisposing syndrome. Also called: Tumor predisposition; Hereditary neoplastic syndrome; Neoplastic Syndromes, Hereditary; Hereditary Cancer Syndrome. Identifiers: Orphanet 140162, MedGen C0027672, MeSH D009386, MONDO:0015356.
Familial adenomatous polyposis 1 (FAP1). Also called: POLYPOSIS, ADENOMATOUS INTESTINAL; FAMILIAL ADENOMATOUS POLYPOSIS 1, ATTENUATED. Identifiers: MedGen C2713442, MONDO:0021056, OMIM 175100. Disease mechanism: loss of function.

Submissions (2):

Ambry Genetics
Classification: Uncertain significance for Hereditary cancer-predisposing syndrome. Last evaluated: 2025-11-10. Review status: criteria provided, single submitter. Criteria: Ambry Variant Classification Scheme 2023. Collection method: clinical testing. Allele origin: germline.
Comment: The p.E2172V variant (also known as c.6515A>T), located in coding exon 15 of the APC gene, results from an A to T substitution at nucleotide position 6515. The glutamic acid at codon 2172 is replaced by valine, an amino acid with dissimilar properties. This amino acid position is conserved. In addition, in silico predictors for this gene do not accurately predict pathogenicity. Missense variants in APC are not a common cause of disease (Spier I et al. Genet Med. 2024 Feb;26(2):100992). Based on the available evidence, the clinical significance of this variant remains unclear.

Labcorp Genetics (formerly Invitae), Labcorp
Classification: Uncertain significance for Familial adenomatous polyposis 1. Last evaluated: 2020-07-07. Review status: criteria provided, single submitter. Criteria: Invitae Variant Classification Sherloc (09022015). Collection method: clinical testing. Allele origin: germline.
Comment: This variant is not present in population databases (ExAC no frequency). This sequence change replaces glutamic acid with valine at codon 2172 of the APC protein (p.Glu2172Val). The glutamic acid residue is highly conserved and there is a moderate physicochemical difference between glutamic acid and valine. This variant has not been reported in the literature in individuals with APC-related conditions. Algorithms developed to predict the effect of missense changes on protein structure and function are either unavailable or do not agree on the potential impact of this missense change (SIFT: "Deleterious"; PolyPhen-2: "Probably Damaging"; Align-GVGD: "Class C0"). In summary, the available evidence is currently insufficient to determine the role of this variant in disease. Therefore, it has been classified as a Variant of Uncertain Significance.

NM_000038.6(APC):c.6515A>T (p.Glu2172Val)

Gene: APC (APC regulator of Wnt signaling pathway; plus strand). Cytogenetic location: 5q22.2.
Variant type: single nucleotide variant.
Coding change: c.6515A>T on transcript NM_000038.6 (MANE Select); coding-DNA position 6515, A replaced by T.
Protein change: p.Glu2172Val; replaces glutamic acid 2172 with valine.
Molecular consequence: missense variant.
Genome position (GRCh38, 1-based): chr5:112,842,109, A>T. VCF-style: chr5-112842109-A-T. GRCh37 (hg19) VCF-style: chr5-112177806-A-T.
Other names: c.6515A>T, p.Glu2172Val (NM_001127510.3, NM_001354895.2); c.6461A>T, p.Glu2154Val (NM_001127511.3); c.6569A>T, p.Glu2190Val (NM_001354896.2); c.6545A>T, p.Glu2182Val (NM_001354897.2); c.6440A>T, p.Glu2147Val (NM_001354898.2); c.6431A>T, p.Glu2144Val (NM_001354899.2); c.6392A>T, p.Glu2131Val (NM_001354900.2); c.6338A>T, p.Glu2113Val (NM_001354901.2); and 5 more; short protein forms E2012V, E2071V, E2113V, E2131V, E1889V, E2081V, E2144V, E2147V.
Identifiers: ClinVar variation 958369 (VCV000958369.14), dbSNP rs1766233320, ClinGen allele CA16035583.
Genomic context (GRCh38, chr5:112,842,109, plus strand): 5'-CTGATCAAGAAGAAAAACCCTTTACAAGTAATAAAGGCCCACGAATTCTAAAACCAGGGG[A>T]GAAAAGTACATTGGAAACTAAAAAGATAGAATCTGAAAGTAAAGGAATCAAAGGAGGAAA-3'
Protein context (NP_000029.2, residues 2162-2182): NKGPRILKPG[Glu2172Val]KSTLETKKIE